The following is an entry in ClinVar:

ClinVar aggregate classification (germline): Uncertain significance. Review status: criteria provided, multiple submitters, no conflicts (2 of 4 stars). 2 submissions from 2 submitters: Uncertain significance (2). Last evaluated 2022-10-13.

Conditions:
Cardiovascular phenotype. Identifiers: MedGen CN230736.
Brugada syndrome. Also called: Sudden unexpected nocturnal death syndrome; Sudden unexplained nocturnal death syndrome; Sudden Unexplained Death Syndrome; Sudden Unexplained Nocturnal Death Syndrome (SUNDS). Identifiers: Orphanet 130, MedGen C1142166, MONDO:0015263.

Allele frequency attached by ClinVar (database versions not stated): gnomAD exomes below 0.00001; ExAC 0.00001.
gnomAD v4.1: 3 of 1,614,220 alleles (0.00019%); highest among the groups gnomAD compares: Non-Finnish European, 0.00025%; no homozygotes.

Submissions (2):

Labcorp Genetics (formerly Invitae), Labcorp
Classification: Uncertain significance for Brugada syndrome. Last evaluated: 2022-10-13. Review status: criteria provided, single submitter. Criteria: Invitae Variant Classification Sherloc (09022015). Collection method: clinical testing. Allele origin: germline.
Comment: In summary, the available evidence is currently insufficient to determine the role of this variant in disease. Therefore, it has been classified as a Variant of Uncertain Significance. Advanced modeling of protein sequence and biophysical properties (such as structural, functional, and spatial information, amino acid conservation, physicochemical variation, residue mobility, and thermodynamic stability) performed at Invitae indicates that this missense variant is not expected to disrupt KCNJ8 protein function. ClinVar contains an entry for this variant (Variation ID: 1438747). This variant has not been reported in the literature in individuals affected with KCNJ8-related conditions. This variant is present in population databases (rs749697322, gnomAD 0.0009%). This sequence change replaces arginine, which is basic and polar, with cysteine, which is neutral and slightly polar, at codon 30 of the KCNJ8 protein (p.Arg30Cys).

Ambry Genetics
Classification: Uncertain significance for Cardiovascular phenotype. Last evaluated: 2022-02-20. Review status: criteria provided, single submitter. Criteria: Ambry Variant Classification Scheme 2023. Collection method: clinical testing. Allele origin: germline.
Comment: The p.R30C variant (also known as c.88C>T), located in coding exon 1 of the KCNJ8 gene, results from a C to T substitution at nucleotide position 88. The arginine at codon 30 is replaced by cysteine, an amino acid with highly dissimilar properties. This amino acid position is conserved. In addition, the in silico prediction for this alteration is inconclusive. Since supporting evidence is limited at this time, the clinical significance of this alteration remains unclear.

NM_004982.4(KCNJ8):c.88C>T (p.Arg30Cys)

Genes: KCNJ8 (potassium inwardly rectifying channel subfamily J member 8; minus strand), KCNJ8-AS1 (KCNJ8 antisense RNA 1; plus strand). Cytogenetic location: 12p12.1.
Variant type: single nucleotide variant.
Coding change: c.88C>T on transcript NM_004982.4 (MANE Select); coding-DNA position 88, C replaced by T.
Protein change: p.Arg30Cys; replaces arginine 30 with cysteine.
Molecular consequence: missense variant.
Genome position (GRCh38, 1-based): chr12:21,773,529, G>A on the plus strand (C>T on the coding strand, the complement: KCNJ8 is on the minus strand). VCF-style: chr12-21773529-G-A. GRCh37 (hg19) VCF-style: chr12-21926463-G-A.
Other names: short protein forms R30C.
Identifiers: ClinVar variation 1438747 (VCV001438747.8), dbSNP rs749697322, ClinGen allele CA6480737.